The following is an entry in ClinVar:

NM_001844.5(COL2A1):c.3007G>A (p.Glu1003Lys)

Gene: COL2A1 (collagen type II alpha 1 chain; minus strand). Cytogenetic location: 12q13.11.
Variant type: single nucleotide variant.
Coding change: c.3007G>A on transcript NM_001844.5 (MANE Select); coding-DNA position 3007, G replaced by A.
Protein change: p.Glu1003Lys; replaces glutamic acid 1003 with lysine.
Molecular consequence: missense variant.
Genome position (GRCh38, 1-based): chr12:47,978,114, C>T on the plus strand (G>A on the coding strand, the complement: COL2A1 is on the minus strand). VCF-style: chr12-47978114-C-T. GRCh37 (hg19) VCF-style: chr12-48371897-C-T.
Other names: c.2800G>A, p.Glu934Lys (NM_033150.3); short protein forms E1003K, E934K.
Identifiers: ClinVar variation 1020209 (VCV001020209.17), dbSNP rs376772481, ClinGen allele CA6534915.

ClinVar aggregate classification (germline): Conflicting classifications of pathogenicity. Review status: criteria provided, conflicting classifications (1 of 4 stars). 6 submissions from 6 submitters: Uncertain significance (4); Likely benign (2). Last evaluated 2026-01-12.

Conditions:
COL2A1-related disorder. Also called: COL2A1-related condition; COL2A1-related disorders.
Spondyloepimetaphyseal dysplasia, Strudwick type (SEMDSTWK). Also called: DAPPLED METAPHYSIS SYNDROME; STRUDWICK SYNDROME. Identifiers: Orphanet 93346, MedGen C0700635, MONDO:0008476, OMIM 184250.
Namaqualand hip dysplasia (OSCDP). Also called: Mild spondyloepiphyseal dysplasia due to COL2A1 mutation with early-onset osteoarthritis. Identifiers: Orphanet 93279, MedGen C0432214, MONDO:0011496, OMIM 604864.
Avascular necrosis of femoral head, primary, 1 (ANFH1). Also called: Avascular necrosis of femoral head, primary. Identifiers: Orphanet 86820, MedGen C4551562, MONDO:0054550, OMIM 608805.
Spondyloepiphyseal dysplasia with metatarsal shortening. Also called: Pseudorheumatoid dysplasia progressive, with hypoplastic toes; CZECH DYSPLASIA, METATARSAL TYPE; SPONDYLOEPIPHYSEAL DYSPLASIA WITH PRECOCIOUS OSTEOARTHRITIS. Identifiers: Orphanet 137678, MedGen C1836683, MONDO:0012206, OMIM 609162.
Stickler syndrome, type I, nonsyndromic ocular. Also called: STICKLER SYNDROME, ATYPICAL; STICKLER SYNDROME, TYPE I, PREDOMINANTLY OCULAR. Identifiers: MedGen C1836080, MONDO:0012287, OMIM 609508.
Vitreoretinopathy with phalangeal epiphyseal dysplasia (VPED). Identifiers: MedGen C1852989, MONDO:0031001, OMIM 619248.
Spondyloperipheral dysplasia. Also called: Spondyloperipheral dysplasia-short ulna syndrome; SPONDYLOPERIPHERAL DYSPLASIA WITH SHORT ULNA. Identifiers: Orphanet 1856, MedGen C0796173, MONDO:0010078, OMIM 271700.
Kniest dysplasia. Identifiers: Orphanet 485, MedGen C0265279, MONDO:0007987, OMIM 156550.
Legg-Calve-Perthes disease. Also called: Avascular necrosis of the capital femoral epiphysis; Osteochondritis deformans; Coxa plana; PERTHES DISEASE. Identifiers: Orphanet 2380, MedGen C1442965, MONDO:0007885, OMIM 150600, HP:0005743.
Multiple epiphyseal dysplasia, Beighton type. Identifiers: Orphanet 166011, MedGen C1851536, MONDO:0007562, OMIM 132450.
Spondyloepiphyseal dysplasia congenita (SEDC). Also called: SED CONGENITA; SPONDYLOEPIPHYSEAL DYSPLASIA, CONGENITAL TYPE. Identifiers: Orphanet 94068, MedGen C2745959, MONDO:0008471, OMIM 183900.
Spondyloepiphyseal dysplasia, Stanescu type. Also called: SED, STANESCU TYPE; SPONDYLOEPIMETAPHYSEAL DYSPLASIA, STANESCU TYPE. Identifiers: Orphanet 459051, MedGen C4225273, MONDO:0014701, OMIM 616583.
Spondylometaphyseal dysplasia - Sutcliffe type. Also called: Sutcliffe type of spondylometaphyseal dysplasia; Sutcliffe SMD; Spondylometaphyseal Dysplasia, Corner Fracture Type; Spondylometaphyseal dysplasia, 'corner fracture' type. Identifiers: Orphanet 93315, MedGen C0432221, MONDO:0008479, OMIM 184255.
Stickler syndrome type 1 (STL1). Also called: ARTHROOPHTHALMOPATHY, HEREDITARY PROGRESSIVE; COL2A1-Related Stickler Syndrome; STICKLER SYNDROME, MEMBRANOUS VITREOUS TYPE; STICKLER SYNDROME, VITREOUS TYPE 1. Identifiers: Orphanet 828, Orphanet 90653, MedGen C2020284, MONDO:0007160, OMIM 108300.
Platyspondylic dysplasia, Torrance type (PLSDT). Identifiers: Orphanet 85166, MedGen C1835437, MONDO:0007895, OMIM 151210.
Achondrogenesis type II (ACG2). Also called: ACHONDROGENESIS, LANGER-SALDINO TYPE; CHONDROGENESIS IMPERFECTA. Identifiers: Orphanet 932, Orphanet 93296, MedGen C0220685, MONDO:0008702, OMIM 200610.

Allele frequency attached by ClinVar (database versions not stated): gnomAD exomes 0.00007 and 0.00008; TOPMed 0.00007; gnomAD 0.00008 and 0.00009; ExAC 0.00009; ESP Exome Variant Server 0.00023.
gnomAD v4.1: 126 of 1,612,560 alleles (0.0078%); highest among the groups gnomAD compares: Non-Finnish European, 0.0096%; no homozygotes.

Submissions (6):

Labcorp Genetics (formerly Invitae), Labcorp
Classification: Likely benign. Last evaluated: 2026-01-12. Review status: criteria provided, single submitter. Criteria: Invitae Variant Classification Sherloc (09022015). Collection method: clinical testing. Allele origin: germline.

PreventionGenetics, part of Exact Sciences
Classification: Uncertain significance for COL2A1-related condition. Last evaluated: 2025-08-25. Review status: criteria provided, single submitter. Criteria: ACMG Guidelines, 2015. Collection method: clinical testing. Allele origin: germline.
Comment: The COL2A1 c.3007G>A variant is predicted to result in the amino acid substitution p.Glu1003Lys. To our knowledge, this variant has not been reported in the literature. This variant is reported in 0.012% of alleles in individuals of Latino descent in gnomAD. Although we suspect that this variant may be benign, at this time, the clinical significance of this variant is uncertain due to the absence of conclusive functional and genetic evidence.

GeneDx
Classification: Uncertain significance. Last evaluated: 2025-04-03. Review status: criteria provided, single submitter. Criteria: GeneDx Variant Classification Process June 2021. Collection method: clinical testing. Allele origin: germline. Affected: yes.
Comment: Has not been previously published as pathogenic or benign to our knowledge; In silico analysis indicates that this missense variant does not alter protein structure/function; Occurs in the triple helical domain at the X position in the canonical Gly-X-Y repeat; although this variant may have an effect on normal protein folding and function, missense substitution at the X position is not a common mechanism of disease (HGMD); This variant is associated with the following publications: (PMID: 34662886)

Blueprint Genetics
Classification: Likely benign. Last evaluated: 2023-12-04. Review status: criteria provided, single submitter. Criteria: ACMG Guidelines, 2015. Collection method: clinical testing. Allele origin: germline.

Revvity Omics, Revvity
Classification: Uncertain significance. Last evaluated: 2022-08-26. Review status: criteria provided, single submitter. Criteria: ACMG Guidelines, 2015. Collection method: clinical testing. Allele origin: germline.

Fulgent Genetics
Classification: Uncertain significance for Stickler syndrome type 1; Multiple epiphyseal dysplasia, Beighton type; Legg-Calve-Perthes disease; Platyspondylic dysplasia, Torrance type; Kniest dysplasia; Spondyloepiphyseal dysplasia congenita; Spondyloepimetaphyseal dysplasia, Strudwick type; Spondylometaphyseal dysplasia - Sutcliffe type; Achondrogenesis type II; Spondyloperipheral dysplasia; Namaqualand hip dysplasia; Avascular necrosis of femoral head, primary, 1; Spondyloepiphyseal dysplasia with metatarsal shortening; Stickler syndrome, type I, nonsyndromic ocular; Spondyloepiphyseal dysplasia, Stanescu type; Vitreoretinopathy with phalangeal epiphyseal dysplasia. Last evaluated: 2022-03-21. Review status: criteria provided, single submitter. Criteria: ACMG Guidelines, 2015. Collection method: clinical testing. Allele origin: unknown.